The following is an entry in ClinVar:

NM_201384.3(PLEC):c.12367_12369del (p.Glu4123del)

Gene: PLEC (plectin; minus strand). Cytogenetic location: 8q24.3.
Variant type: Deletion.
Coding change: c.12367_12369del on transcript NM_201384.3 (MANE Select); coding-DNA positions 12367 to 12369, 3 bases deleted (GAG; older notation c.12367_12369delGAG).
Protein change: p.Glu4123del; deletes glutamic acid 4123.
Molecular consequence: inframe deletion.
Genome position (GRCh38, 1-based): chr8:143,917,452-143,917,454, CTC deleted on the plus strand (GAG on the coding strand, the reverse complement: PLEC is on the minus strand); deleting any 3 consecutive bases within chr8:143,917,452-143,917,456 gives the same sequence; the c. name uses the placement nearest the transcript's 3' end. VCF-style (leftmost placement, unchanged base first): chr8-143917451-TCTC-T. GRCh37 (hg19) VCF-style: chr8-144991619-TCTC-T.
Other names: c.12448_12450del, p.Glu4150del (NM_000445.5); c.12325_12327del, p.Glu4109del (NM_201378.4); c.12301_12303del, p.Glu4101del (NM_201379.3); c.12778_12780del, p.Glu4260del (NM_201380.4); c.12271_12273del, p.Glu4091del (NM_201381.3); c.12367_12369del, p.Glu4123del (NM_201382.4); c.12379_12381del, p.Glu4127del (NM_201383.3); short protein forms E4091del, E4109del, E4123del, E4260del, E4101del, E4127del, E4150del.
Identifiers: ClinVar variation 960701 (VCV000960701.11), dbSNP rs782364560, ClinGen allele CA4924103.

ClinVar aggregate classification (germline): Uncertain significance. Review status: criteria provided, multiple submitters, no conflicts (2 of 4 stars). 2 submissions from 2 submitters: Uncertain significance (2). Last evaluated 2025-11-18.

Conditions:
Epidermolysis bullosa simplex 5B, with muscular dystrophy (EBS5B). Also called: Epidermolysis bullosa simplex with muscular dystrophy; EPIDERMOLYSIS BULLOSA SIMPLEX AND LIMB-GIRDLE MUSCULAR DYSTROPHY. Identifiers: Orphanet 257, MedGen C2931072, MONDO:0009181, OMIM 226670.
Junctional epidermolysis bullosa with pyloric atresia. Also called: EPIDERMOLYSIS BULLOSA, JUNCTIONAL 5B, WITH PYLORIC ATRESIA; Junctional Epidermolysis Bullosa- Pyloric Atresia Syndrome; APLASIA CUTIS CONGENITA WITH GASTROINTESTINAL ATRESIA; Epidermolysis bullosa, junctional, with pyloric atresia and aplasia cutis congenita; Epidermolysis bullosa junctionalis with pyloric atresia; ITGB4-Related Epidermolysis Bullosa with Pyloric Atresia. Identifiers: Orphanet 79403, MedGen C5676875, MONDO:0009183, OMIM 226730.
Epidermolysis bullosa simplex, Ogna type (EBS5A). Also called: Pidermolysis bullosa simplex 5A, Ogna type; EPIDERMOLYSIS BULLOSA SIMPLEX 5A, OGNA TYPE. Identifiers: Orphanet 79401, MedGen C0432317, MONDO:0007555, OMIM 131950.
Autosomal recessive limb-girdle muscular dystrophy type 2Q (LGMDR17). Also called: MUSCULAR DYSTROPHY, LIMB-GIRDLE, AUTOSOMAL RECESSIVE 17. Identifiers: Orphanet 254361, MedGen C3150989, MONDO:0013390, OMIM 613723.
Epidermolysis bullosa simplex with nail dystrophy (EBS5D). Identifiers: MedGen C4225309, MONDO:0014661, OMIM 616487.
Epidermolysis bullosa simplex 5C, with pyloric atresia (EBS5C). Also called: Epidermolysis bullosa simplex with pyloric atresia; PLEC-Related Epidermolysis Bullosa with Pyloric Atresia; PLEC1-Related Epidermolysis Bullosa with Pyloric Atresia. Identifiers: Orphanet 158684, MedGen C2677349, MONDO:0012807, OMIM 612138.

Submissions (2):

Labcorp Genetics (formerly Invitae), Labcorp
Classification: Uncertain significance for Autosomal recessive limb-girdle muscular dystrophy type 2Q; Epidermolysis bullosa simplex, Ogna type; Epidermolysis bullosa simplex with nail dystrophy; Epidermolysis bullosa simplex 5C, with pyloric atresia; Epidermolysis bullosa simplex 5B, with muscular dystrophy. Last evaluated: 2025-11-18. Review status: criteria provided, single submitter. Criteria: Invitae Variant Classification Sherloc (09022015). Collection method: clinical testing. Allele origin: germline.
Comment: This variant, c.12448_12450del, results in the deletion of 1 amino acid(s) of the PLEC protein (p.Glu4150del), but otherwise preserves the integrity of the reading frame. This variant is present in population databases (rs782364560, gnomAD 0.08%). This variant has not been reported in the literature in individuals affected with PLEC-related conditions. ClinVar contains an entry for this variant (Variation ID: 960701). Experimental studies and prediction algorithms are not available or were not evaluated, and the functional significance of this variant is currently unknown. In summary, the available evidence is currently insufficient to determine the role of this variant in disease. Therefore, it has been classified as a Variant of Uncertain Significance.

Fulgent Genetics
Classification: Uncertain significance for Epidermolysis bullosa simplex, Ogna type; Epidermolysis bullosa simplex 5B, with muscular dystrophy; Junctional epidermolysis bullosa with pyloric atresia; Epidermolysis bullosa simplex 5C, with pyloric atresia; Autosomal recessive limb-girdle muscular dystrophy type 2Q; Epidermolysis bullosa simplex with nail dystrophy. Last evaluated: 2021-08-25. Review status: criteria provided, single submitter. Criteria: ACMG Guidelines, 2015. Collection method: clinical testing. Allele origin: unknown.